The following is an entry in ClinVar:

NM_002775.5(HTRA1):c.910G>C (p.Gly304Arg)

Gene: HTRA1 (HtrA serine peptidase 1; plus strand). Cytogenetic location: 10q26.13.
Variant type: single nucleotide variant.
Coding change: c.910G>C on transcript NM_002775.5 (MANE Select); coding-DNA position 910, G replaced by C.
Protein change: p.Gly304Arg; replaces glycine 304 with arginine.
Molecular consequence: missense variant.
Genome position (GRCh38, 1-based): chr10:122,506,823, G>C. VCF-style: chr10-122506823-G-C. GRCh37 (hg19) VCF-style: chr10-124266339-G-C.
Other names: short protein forms G304R.
Identifiers: ClinVar variation 2692368 (VCV002692368.3), dbSNP rs1169130967, ClinGen allele CA378585745.
Genomic context (GRCh38, chr10:122,506,823, plus strand): 5'-AGCCCGTTTTCCCTTCAAAACACAGTCACCACCGGGATCGTGAGCACCACCCAGCGAGGC[G>C]GCAAAGAGCTGGGGCTCCGCAACTCAGACATGGACTACATCCAGACCGACGCCATCATCA-3'
Protein context (NP_002766.1, residues 294-314): TGIVSTTQRG[Gly304Arg]KELGLRNSDM

ClinVar aggregate classification (germline): Uncertain significance. Review status: criteria provided, multiple submitters, no conflicts (2 of 4 stars). 2 submissions from 2 submitters: Uncertain significance (2). Last evaluated 2024-01-22.

Conditions:
Cerebral arteriopathy, autosomal dominant, with subcortical infarcts and leukoencephalopathy, type 2 (CADASIL2). Identifiers: MedGen C4225211, MONDO:0014768, OMIM 616779.

Submissions (2):

Institute of Human Genetics, University of Leipzig Medical Center
Classification: Uncertain significance for Cerebral arteriopathy, autosomal dominant, with subcortical infarcts and leukoencephalopathy, type 2. Last evaluated: 2024-01-22. Review status: criteria provided, single submitter. Criteria: ACMG Guidelines, 2015. Collection method: clinical testing. Allele origin: unknown. Inheritance: Autosomal dominant inheritance. Affected: yes.
Comment: Criteria applied: PM1_SUP,PM2_SUP,PP3

Blueprint Genetics
Classification: Uncertain significance. Last evaluated: 2023-11-08. Review status: criteria provided, single submitter. Criteria: ACMG Guidelines, 2015. Collection method: clinical testing. Allele origin: germline.